The following is an entry in ClinVar:

NM_032608.7(MYO18B):c.378G>C (p.Glu126Asp)

Gene: MYO18B (myosin XVIIIB; plus strand). Cytogenetic location: 22q12.1.
Variant type: single nucleotide variant.
Coding change: c.378G>C on transcript NM_032608.7 (MANE Select); coding-DNA position 378, G replaced by C.
Protein change: p.Glu126Asp; replaces glutamic acid 126 with aspartic acid.
Molecular consequence: missense variant.
Genome position (GRCh38, 1-based): chr22:25,768,294, G>C. VCF-style: chr22-25768294-G-C. GRCh37 (hg19) VCF-style: chr22-26164261-G-C.
Other names: c.378G>C, p.Glu126Asp (NM_001318245.2); c.378G>C (NM_032608.5); short protein forms E126D.
Identifiers: ClinVar variation 1935468 (VCV001935468.4), dbSNP rs774965748, ClinGen allele CA10159566.

ClinVar aggregate classification (germline): Uncertain significance. Review status: criteria provided, multiple submitters, no conflicts (2 of 4 stars). 2 submissions from 2 submitters: Uncertain significance (2). Last evaluated 2025-03-31.

Conditions:
Inborn genetic diseases. Identifiers: MedGen C0950123, MeSH D030342.

Allele frequency attached by ClinVar (database versions not stated): gnomAD exomes below 0.00001; TOPMed 0.00001; ExAC 0.00001; gnomAD 0.00001.
gnomAD v4.1: 10 of 1,613,820 alleles (0.00062%); highest among the groups gnomAD compares: Admixed American, 0.0067%; no homozygotes.

Submissions (2):

Ambry Genetics
Classification: Uncertain significance for Inborn genetic diseases. Last evaluated: 2025-03-31. Review status: criteria provided, single submitter. Criteria: Ambry Variant Classification Scheme 2023. Collection method: clinical testing. Allele origin: germline.

Labcorp Genetics (formerly Invitae), Labcorp
Classification: Uncertain significance. Last evaluated: 2022-05-03. Review status: criteria provided, single submitter. Criteria: Invitae Variant Classification Sherloc (09022015). Collection method: clinical testing. Allele origin: germline.
Comment: In summary, the available evidence is currently insufficient to determine the role of this variant in disease. Therefore, it has been classified as a Variant of Uncertain Significance. Algorithms developed to predict the effect of sequence changes on RNA splicing suggest that this variant may disrupt the consensus splice site. Algorithms developed to predict the effect of missense changes on protein structure and function are either unavailable or do not agree on the potential impact of this missense change (SIFT: "Not Available"; PolyPhen-2: "Probably Damaging"; Align-GVGD: "Not Available"). This variant has not been reported in the literature in individuals affected with MYO18B-related conditions. This variant is present in population databases (rs774965748, gnomAD 0.006%). This sequence change replaces glutamic acid, which is acidic and polar, with aspartic acid, which is acidic and polar, at codon 126 of the MYO18B protein (p.Glu126Asp).